The following is an entry in ClinVar:

ClinVar aggregate classification (germline): Pathogenic. Review status: criteria provided, multiple submitters, no conflicts (2 of 4 stars). 2 submissions from 2 submitters: Pathogenic (2). Last evaluated 2024-10-21.

Conditions:
Cardiovascular phenotype. Identifiers: MedGen CN230736.
Hypertrophic cardiomyopathy. Also called: HYPERTROPHIC MYOCARDIOPATHY. Identifiers: Orphanet 217569, MedGen C0007194, MeSH D002312, MONDO:0005045, HP:0001639.

Submissions (2):

Labcorp Genetics (formerly Invitae), Labcorp
Classification: Pathogenic for Hypertrophic cardiomyopathy. Last evaluated: 2024-10-21. Review status: criteria provided, single submitter. Criteria: Invitae Variant Classification Sherloc (09022015). Collection method: clinical testing. Allele origin: germline.
Comment: This sequence change creates a premature translational stop signal (p.Trp322*) in the MYBPC3 gene. It is expected to result in an absent or disrupted protein product. Loss-of-function variants in MYBPC3 are known to be pathogenic (PMID: 19574547). This variant is not present in population databases (gnomAD no frequency). This premature translational stop signal has been observed in individual(s) with clinical features of hypertrophic cardiomyopathy (PMID: 25611685). ClinVar contains an entry for this variant (Variation ID: 1365234). For these reasons, this variant has been classified as Pathogenic.

Ambry Genetics
Classification: Pathogenic for Cardiovascular phenotype. Last evaluated: 2021-11-03. Review status: criteria provided, single submitter. Criteria: Ambry Variant Classification Scheme 2023. Collection method: clinical testing. Allele origin: germline.
Comment: The p.W322* pathogenic mutation (also known as c.965G>A), located in coding exon 12 of the MYBPC3 gene, results from a G to A substitution at nucleotide position 965. This changes the amino acid from a tryptophan to a stop codon within coding exon 12. This alteration, also reported as c.966G>A, has been reported in association with hypertrophic cardiomyopathy (HCM) (Alfares AA et al. Genet Med, 2015 Nov;17:880-8; Dejgaard LA et al. Data Brief, 2017 Dec;15:30-39; Walsh R et al. Genet Med, 2017 02;19:192-203). In addition, this variant is considered to be rare based on population cohorts in the Genome Aggregation Database (gnomAD). This alteration is expected to result in loss of function by premature protein truncation or nonsense-mediated mRNA decay. As such, this alteration is interpreted as a disease-causing mutation.

Literature cited by the submitters: PubMed 19574547 (cited by Labcorp Genetics (formerly Invitae), Labcorp); PubMed 25611685 (cited by Labcorp Genetics (formerly Invitae), Labcorp and Ambry Genetics); PubMed 27532257 (cited by Ambry Genetics); PubMed 28971120 (cited by Ambry Genetics).

NM_000256.3(MYBPC3):c.965G>A (p.Trp322Ter)

Gene: MYBPC3 (myosin binding protein C3; minus strand). Cytogenetic location: 11p11.2.
Variant type: single nucleotide variant.
Coding change: c.965G>A on transcript NM_000256.3 (MANE Select); coding-DNA position 965, G replaced by A.
Protein change: p.Trp322Ter; replaces tryptophan 322 with a stop codon.
Molecular consequence: nonsense.
Genome position (GRCh38, 1-based): chr11:47,346,332, C>T on the plus strand (G>A on the coding strand, the complement: MYBPC3 is on the minus strand). VCF-style: chr11-47346332-C-T. GRCh37 (hg19) VCF-style: chr11-47367883-C-T.
Other names: short protein forms W322*.
Identifiers: ClinVar variation 1365234 (VCV001365234.8), dbSNP rs2142864321, ClinGen allele CA380331909.